The following is an entry in ClinVar:

NM_000138.5(FBN1):c.1690dup (p.Thr564fs)

Gene: FBN1 (fibrillin 1; minus strand). Cytogenetic location: 15q21.1.
Variant type: Duplication.
Coding change: c.1690dup on transcript NM_000138.5 (MANE Select); coding-DNA position 1690, one base duplicated (A; older notation c.1690dupA).
Protein change: p.Thr564fs; shifts the reading frame from threonine 564.
Molecular consequence: frameshift variant.
Genome position (GRCh38, 1-based): chr15:48,510,068, T duplicated on the plus strand (A on the coding strand, the reverse complement: FBN1 is on the minus strand). VCF-style (leftmost placement, unchanged base first): chr15-48510067-G-GT. GRCh37 (hg19) VCF-style: chr15-48802264-G-GT.
Other names: c.1690dup, p.Thr564fs (NM_001406716.1); short protein forms T564fs.
Identifiers: ClinVar variation 2943660 (VCV002943660.3), dbSNP rs2505605998, ClinGen allele CA2740096668.

ClinVar aggregate classification (germline): Pathogenic (1 of 4 stars; one submission).

Conditions:
Marfan syndrome (MFS). Also called: MARFAN SYNDROME, TYPE I; Marfan syndrome type 1; Marfan's syndrome; Marfan syndrome, classic; FBN1-Related Marfan Syndrome. Identifiers: Orphanet 284963, Orphanet 558, MedGen C0024796, MONDO:0007947, OMIM 154700.
Familial thoracic aortic aneurysm and aortic dissection (TAAD). Also called: Thoracic aortic aneurysms and dissections. Identifiers: Orphanet 91387, MedGen C4707243, MONDO:0019625.

Submission:

Labcorp Genetics (formerly Invitae), Labcorp
Classification: Pathogenic for Marfan syndrome; Familial thoracic aortic aneurysm and aortic dissection. Last evaluated: 2023-01-27. Review status: criteria provided, single submitter. Criteria: Invitae Variant Classification Sherloc (09022015). Collection method: clinical testing. Allele origin: germline.
Comment: For these reasons, this variant has been classified as Pathogenic. This premature translational stop signal has been observed in individual(s) with clinical features of FBN1-related conditions (PMID: 31211624, 33483584). This variant is not present in population databases (gnomAD no frequency). This sequence change creates a premature translational stop signal (p.Thr564Asnfs*8) in the FBN1 gene. It is expected to result in an absent or disrupted protein product. Loss-of-function variants in FBN1 are known to be pathogenic (PMID: 17657824, 19293843).

Literature cited by the submitters: PubMed 31211624; PubMed 33483584; PubMed 17657824; PubMed 19293843.